The following is an entry in ClinVar:

ClinVar aggregate classification (germline): Likely benign. Review status: criteria provided, multiple submitters, no conflicts (2 of 4 stars). 3 submissions from 3 submitters: Likely benign (3). Last evaluated 2026-01-17.

Allele frequency attached by ClinVar (database versions not stated): gnomAD exomes 0.00005; ExAC 0.00008; gnomAD 0.00029; TOPMed 0.00037; ESP Exome Variant Server 0.00038; 1000 Genomes Project 0.00040; 1000 Genomes Project 30x 0.00047.
gnomAD v4.1: 112 of 1,613,274 alleles (0.0069%); highest among the groups gnomAD compares: African/African-American, 0.11%; 1 homozygote.

Submissions (3):

Labcorp Genetics (formerly Invitae), Labcorp
Classification: Likely benign. Last evaluated: 2026-01-17. Review status: criteria provided, single submitter. Criteria: Invitae Variant Classification Sherloc (09022015). Collection method: clinical testing. Allele origin: germline.

CeGaT Center for Human Genetics Tuebingen
Classification: Likely benign. Last evaluated: 2025-08-01. Review status: criteria provided, single submitter. Criteria: CeGaT Center For Human Genetics Tuebingen Variant Classification Criteria Version 2. Collection method: clinical testing. Allele origin: germline. Affected: yes. Observed: 1 variant allele.
Comment: CAD: BP4, BP7

Blueprint Genetics
Classification: Likely benign. Last evaluated: 2024-05-02. Review status: criteria provided, single submitter. Criteria: ACMG Guidelines, 2015. Collection method: clinical testing. Allele origin: germline.

NM_004341.5(CAD):c.4702C>T (p.Leu1568=)

Gene: CAD (carbamoyl-phosphate synthetase 2, aspartate transcarbamylase, and dihydroorotase; plus strand). Cytogenetic location: 2p23.3.
Variant type: single nucleotide variant.
Coding change: c.4702C>T on transcript NM_004341.5 (MANE Select); coding-DNA position 4702, C replaced by T.
Protein change: p.Leu1568=; no amino-acid change (leucine 1568 retained).
Molecular consequence: synonymous variant.
Genome position (GRCh38, 1-based): chr2:27,237,856, C>T. VCF-style: chr2-27237856-C-T. GRCh37 (hg19) VCF-style: chr2-27460724-C-T.
Other names: c.4513C>T, p.Leu1505= (NM_001306079.2).
Identifiers: ClinVar variation 728994 (VCV000728994.18), dbSNP rs140273939, ClinGen allele CA1573615.